The following is an entry in ClinVar:

NM_147127.5(EVC2):c.769G>T (p.Glu257Ter)

Gene: EVC2 (EvC ciliary complex subunit 2; minus strand). Cytogenetic location: 4p16.2.
Variant type: single nucleotide variant.
Coding change: c.769G>T on transcript NM_147127.5 (MANE Select); coding-DNA position 769, G replaced by T.
Protein change: p.Glu257Ter; replaces glutamic acid 257 with a stop codon.
Molecular consequence: nonsense.
Genome position (GRCh38, 1-based): chr4:5,685,417, C>A on the plus strand (G>T on the coding strand, the complement: EVC2 is on the minus strand). VCF-style: chr4-5685417-C-A. GRCh37 (hg19) VCF-style: chr4-5687144-C-A.
Other names: c.529G>T, p.Glu177Ter (NM_001166136.2); short protein forms E257*, E177*.
Identifiers: ClinVar variation 553207 (VCV000553207.12), dbSNP rs1553850677, ClinGen allele CA356146825.

ClinVar aggregate classification (germline): Pathogenic. Review status: criteria provided, single submitter (1 of 4 stars). 2 submissions from 2 submitters: Pathogenic (1). 1 of the submissions does not count toward it. Last evaluated 2022-03-27.

Conditions:
Curry-Hall syndrome (WAD). Also called: WEYERS ACRODENTAL DYSOSTOSIS. Identifiers: Orphanet 952, MedGen C0457013, MONDO:0008673, OMIM 193530.
Ellis-van Creveld syndrome (EVC). Also called: EVC2-Related Ellis-van Creveld Syndrome; EVC-Related Ellis-van Creveld Syndrome; MESOECTODERMAL DYSPLASIA; Chondroectodermal dysplasia. Identifiers: Orphanet 289, MedGen C0013903, MONDO:0009162, OMIM 225500.

Submissions (2):

Labcorp Genetics (formerly Invitae), Labcorp
Classification: Pathogenic for Curry-Hall syndrome; Ellis-van Creveld syndrome. Last evaluated: 2022-03-27. Review status: criteria provided, single submitter. Criteria: Invitae Variant Classification Sherloc (09022015). Collection method: clinical testing. Allele origin: germline.
Comment: For these reasons, this variant has been classified as Pathogenic. Algorithms developed to predict the effect of sequence changes on RNA splicing suggest that this variant may create or strengthen a splice site. ClinVar contains an entry for this variant (Variation ID: 553207). This premature translational stop signal has been observed in individual(s) with Ellis-van Creveld syndrome (PMID: 26748586). This variant is not present in population databases (gnomAD no frequency). This sequence change creates a premature translational stop signal (p.Glu257*) in the EVC2 gene. It is expected to result in an absent or disrupted protein product. Loss-of-function variants in EVC2 are known to be pathogenic (PMID: 17024374, 19810119, 19876929).

Counsyl
Classification: Likely pathogenic for Ellis-van Creveld syndrome. Last evaluated: 2017-08-07. Review status: no assertion criteria provided. Collection method: clinical testing. Allele origin: unknown. Not counted in ClinVar's aggregate classification.

Literature cited by the submitters: PubMed 26748586 (cited by Labcorp Genetics (formerly Invitae), Labcorp and Counsyl); PubMed 17024374 (cited by Labcorp Genetics (formerly Invitae), Labcorp); PubMed 19810119 (cited by Labcorp Genetics (formerly Invitae), Labcorp); PubMed 19876929 (cited by Labcorp Genetics (formerly Invitae), Labcorp).